The following is an entry in ClinVar:

NM_001148.6(ANK2):c.2460CAC[4] (p.Thr826del)

Gene: ANK2 (ankyrin 2; plus strand). Cytogenetic location: 4q26.
Variant type: Microsatellite.
Coding change: c.2460CAC[4] on transcript NM_001148.6 (MANE Select); four copies in a row of the 3-base unit CAC starting at c.2460; the reference has five copies in a row; one copy, 3 bases deleted; also written c.2472_2474del.
Protein change: p.Thr826del; deletes threonine 826.
Molecular consequence: inframe deletion.
Genome position (GRCh38, 1-based): chr4:113,293,535-113,293,537, CAC deleted; deleting any 3 consecutive bases within chr4:113,293,523-113,293,537 gives the same sequence; the position shown is the placement nearest the transcript's 3' end. VCF-style (leftmost placement, unchanged base first): chr4-113293522-TCAC-T. GRCh37 (hg19) VCF-style: chr4-114214678-TCAC-T.
Other names: c.2472_2474del (NM_001148.4); c.2397CAC[4], p.Thr805del (NM_001127493.3, NM_001354239.2, NM_001354256.2 and 10 more transcripts); c.2460CAC[4], p.Thr826del (NM_001354225.2, NM_001354228.2, NM_001354232.2 and 6 more transcripts); c.2505CAC[4], p.Thr841del (NM_001354230.2, NM_001354231.2, NM_001354237.2 and 5 more transcripts); c.2298CAC[4], p.Thr772del (NM_001354257.2, NM_001386156.1, NM_001354253.2 and 1 more transcripts); c.2274CAC[4], p.Thr764del (NM_001354260.2, NM_001386151.1, NM_001354271.2); c.2418CAC[4], p.Thr812del (NM_001354261.2, NM_001386147.1, NM_001386160.1); c.2373CAC[4], p.Thr797del (NM_001354264.2, NM_001354276.2, NM_001386142.1 and 10 more transcripts); and 10 more; short protein forms T805del, T826del, T764del, T793del, T35del, T797del, T841del, T731del.
Identifiers: ClinVar variation 190589 (VCV000190589.61), dbSNP rs770530257, ClinGen allele CA300998.

ClinVar aggregate classification (germline): Conflicting classifications of pathogenicity. Review status: criteria provided, conflicting classifications (1 of 4 stars). 6 submissions from 6 submitters: Uncertain significance (3); Likely benign (3). Last evaluated 2026-01-25.

Conditions:
Cardiovascular phenotype. Identifiers: MedGen CN230736.
Long QT syndrome (LQTS). Identifiers: MedGen C0023976, MeSH D008133, MONDO:0002442. Disease mechanism: loss of function. Inheritance: Various modes of inheritance.

Submissions (6):

Labcorp Genetics (formerly Invitae), Labcorp
Classification: Likely benign for Long QT syndrome. Last evaluated: 2026-01-25. Review status: criteria provided, single submitter. Criteria: Invitae Variant Classification Sherloc (09022015). Collection method: clinical testing. Allele origin: germline.

Blueprint Genetics
Classification: Likely benign. Last evaluated: 2024-06-24. Review status: criteria provided, single submitter. Criteria: ACMG Guidelines, 2015. Collection method: clinical testing. Allele origin: germline.

GeneDx
Classification: Uncertain significance. Last evaluated: 2023-09-25. Review status: criteria provided, single submitter. Criteria: GeneDx Variant Classification Process June 2021. Collection method: clinical testing. Allele origin: germline. Affected: yes.
Comment: Identified in a patient with Brugada syndrome in the published literature (Di Resta et al., 2015); variant described as c.87_89del due to alternate nomenclature; In-frame deletion of 1 amino acid in a repetitive region with no known function; In silico analysis supports a deleterious effect on protein structure/function; This variant is associated with the following publications: (PMID: 26220970)

Ambry Genetics
Classification: Likely benign for Cardiovascular phenotype. Last evaluated: 2021-11-15. Review status: criteria provided, single submitter. Criteria: Ambry Variant Classification Scheme 2023. Collection method: clinical testing. Allele origin: germline.

CeGaT Center for Human Genetics Tuebingen
Classification: Uncertain significance. Last evaluated: 2019-12-01. Review status: criteria provided, single submitter. Criteria: CeGaT Center For Human Genetics Tuebingen Variant Classification Criteria Version 2. Collection method: clinical testing. Allele origin: germline. Affected: yes. Observed: 7 variant alleles.

Stanford Center for Inherited Cardiovascular Disease, Stanford University
Classification: Uncertain significance. Last evaluated: 2014-08-29. Review status: criteria provided, single submitter. Criteria: ACMG Guidelines, 2015. Collection method: provider interpretation. Allele origin: germline.